The following is an entry in ClinVar:

ClinVar aggregate classification (germline): Uncertain significance (1 of 4 stars; one submission).

Conditions:
LRRC45-related disorder. Also called: LRRC45-related condition.

Submission:

PreventionGenetics, part of Exact Sciences
Classification: Uncertain significance for LRRC45-related condition. Last evaluated: 2025-09-23. Review status: criteria provided, single submitter. Criteria: ACMG Guidelines, 2015. Collection method: clinical testing. Allele origin: germline.
Comment: The LRRC45 c.916C>G variant is predicted to result in the amino acid substitution p.Gln306Glu. To our knowledge, this variant has not been reported in the literature or in a large population database (gnomAD), indicating this variant is rare. At this time, the clinical significance of this variant is uncertain due to the absence of conclusive functional and genetic evidence.

NM_144999.4(LRRC45):c.916C>G (p.Gln306Glu)

Gene: LRRC45 (leucine rich repeat containing 45; plus strand). Cytogenetic location: 17q25.3.
Variant type: single nucleotide variant.
Coding change: c.916C>G on transcript NM_144999.4 (MANE Select); coding-DNA position 916, C replaced by G.
Protein change: p.Gln306Glu; replaces glutamine 306 with glutamic acid.
Molecular consequence: missense variant.
Genome position (GRCh38, 1-based): chr17:82,028,015, C>G. VCF-style: chr17-82028015-C-G. GRCh37 (hg19) VCF-style: chr17-79985891-C-G.
Other names: short protein forms Q306E.
Identifiers: ClinVar variation 4996062 (VCV004996062.1).